The following is an entry in ClinVar:

ClinVar aggregate classification (germline): Uncertain significance (1 of 4 stars; one submission).

Submission:

Greenwood Genetic Center Diagnostic Laboratories, Greenwood Genetic Center
Classification: Uncertain significance. Last evaluated: 2025-04-25. Review status: criteria provided, single submitter. Criteria: ACMG Guidelines, 2015. Collection method: clinical testing. Allele origin: germline. Affected: yes.
Comment: Gene of Uncertain Significance

NM_015322.5(FEM1B):c.1813G>C (p.Val605Leu)

Gene: FEM1B (fem-1 homolog B; plus strand). Cytogenetic location: 15q23.
Variant type: single nucleotide variant.
Coding change: c.1813G>C on transcript NM_015322.5 (MANE Select); coding-DNA position 1813, G replaced by C.
Protein change: p.Val605Leu; replaces valine 605 with leucine.
Molecular consequence: missense variant.
Genome position (GRCh38, 1-based): chr15:68,291,171, G>C. VCF-style: chr15-68291171-G-C. GRCh37 (hg19) VCF-style: chr15-68583509-G-C.
Other names: short protein forms V605L.
Identifiers: ClinVar variation 4538395 (VCV004538395.1).